The following is an entry in ClinVar:

ClinVar aggregate classification (germline): Uncertain significance (1 of 4 stars; one submission).

Conditions:
Glycogen storage disease, type II (IOPD). Also called: Pompe Disease; CARDIOMEGALIA GLYCOGENICA DIFFUSA; GLYCOGENOSIS, GENERALIZED, CARDIAC FORM; GSD II; POMPE DISEASE, INFANTILE-ONSET; GLYCOGEN STORAGE DISEASE II, INFANTILE-ONSET. Identifiers: Orphanet 365, MedGen C0017921, MONDO:0009290, OMIM 232300.

Submission:

Genomenon, Inc
Classification: Uncertain significance for Glycogen storage disease, type II. Last evaluated: 2026-07-01. Review status: criteria provided, single submitter. Criteria: Genomenon Sequence Variant Interpretation Standards - Updated. Collection method: curation. Allele origin: germline. Affected: no.
Comment: GAA p.Asp419Asn (c.1255G>A) is a missense variant that changes the amino acid at codon 419 from Aspartic acid to Asparagine. This variant has been reported in the published literature (PMID:40745475). It is absent or not present at a significant frequency in gnomAD. In silico models predict that this variant is not damaging. In conclusion, we classify GAA p.Asp419Asn (c.1255G>A) as a variant of uncertain significance.

Literature cited by the submitters: PubMed 40745475.

NM_000152.5(GAA):c.1255G>A (p.Asp419Asn)

Gene: GAA (alpha glucosidase; plus strand). Cytogenetic location: 17q25.3.
Variant type: single nucleotide variant.
Coding change: c.1255G>A on transcript NM_000152.5 (MANE Select); coding-DNA position 1255, G replaced by A.
Protein change: p.Asp419Asn; replaces aspartic acid 419 with asparagine.
Molecular consequence: missense variant.
Genome position (GRCh38, 1-based): chr17:80,108,757, G>A. VCF-style: chr17-80108757-G-A. GRCh37 (hg19) VCF-style: chr17-78082556-G-A.
Other names: c.1255G>A, p.Asp419Asn (NM_001079803.3, NM_001079804.3, NM_001406741.1 and 1 more transcripts); short protein forms D419N.
Identifiers: ClinVar variation 4876469 (VCV004876469.1).